The following is an entry in ClinVar:

NM_058172.6(ANTXR2):c.1294C>T (p.Arg432Ter)

Gene: ANTXR2 (ANTXR cell adhesion molecule 2; minus strand). Cytogenetic location: 4q21.21.
Variant type: single nucleotide variant.
Coding change: c.1294C>T on transcript NM_058172.6 (MANE Select); coding-DNA position 1294, C replaced by T.
Protein change: p.Arg432Ter; replaces arginine 432 with a stop codon.
Molecular consequence: nonsense.
Genome position (GRCh38, 1-based): chr4:79,978,060, G>A on the plus strand (C>T on the coding strand, the complement: ANTXR2 is on the minus strand). VCF-style: chr4-79978060-G-A. GRCh37 (hg19) VCF-style: chr4-80899214-G-A.
Other names: c.1294C>T, p.Arg432Ter (NM_001145794.2); c.1063C>T, p.Arg355Ter (NM_001286780.2, NM_001286781.2); short protein forms R355*, R432*.
Identifiers: ClinVar variation 2581430 (VCV002581430.1), dbSNP rs750324212, ClinGen allele CA357472083.
Genomic context (GRCh38, chr4:79,978,060, plus strand): 5'-CACATACCTTAATTGGGGTGTACCATTTTGTCTGAGGAGGCTGGTGTGTGGGTTTGGGTC[G>A]AGGTGGTCTAGGCCTGATGGGTTCCTCTGTTTCTTCAGGAATCTTCACCACAGCATTTTT-3'

ClinVar aggregate classification (germline): Pathogenic (1 of 4 stars; one submission).

Conditions:
Hyaline fibromatosis syndrome (HFS). Also called: HYALINOSIS, SYSTEMIC; Hyalinosis, Inherited Systemic. Identifiers: Orphanet 2028, Orphanet 498474, MedGen C5574677, MONDO:0009229, OMIM 228600.

gnomAD v4.1: 6 of 1,612,378 alleles (0.00037%); highest among the groups gnomAD compares: Admixed American, 0.0017%; no homozygotes.

Submission:

Women's Health and Genetics/Laboratory Corporation of America, LabCorp
Classification: Pathogenic for Juvenile hyaline fibromatosis. Last evaluated: 2023-08-03. Review status: criteria provided, single submitter. Criteria: LabCorp Variant Classification Summary - May 2015. Collection method: clinical testing. Allele origin: germline.
Comment: Variant summary: ANTXR2 c.1294C>T (p.Arg432X) results in a premature termination codon, predicted to cause a truncation of the encoded protein or absence of the protein due to nonsense mediated decay, which are commonly known mechanisms for disease. The variant allele was found at a frequency of 4e-06 in 247936 control chromosomes. c.1294C>T has been reported in the literature in individuals affected with Hyaline Fibromatosis Syndrome (Example: Cozma_2019). To our knowledge, no experimental evidence demonstrating an impact on protein function has been reported. The following publication has been ascertained in the context of this evaluation (PMID: 31455396). No submitters have cited clinical-significance assessments for this variant to ClinVar after 2014. Based on the evidence outlined above, the variant was classified as pathogenic.

Literature cited by the submitters: PubMed 31455396.